The following is an entry in ClinVar:

NM_001008537.3(NEXMIF):c.3437C>A (p.Ser1146Tyr)

Gene: NEXMIF (neurite extension and migration factor; minus strand). Cytogenetic location: Xq13.3.
Variant type: single nucleotide variant.
Coding change: c.3437C>A on transcript NM_001008537.3 (MANE Select); coding-DNA position 3437, C replaced by A.
Protein change: p.Ser1146Tyr; replaces serine 1146 with tyrosine.
Molecular consequence: missense variant.
Genome position (GRCh38, 1-based): chrX:74,741,120, G>T on the plus strand (C>A on the coding strand, the complement: NEXMIF is on the minus strand). VCF-style: chrX-74741120-G-T. GRCh37 (hg19) VCF-style: chrX-73960955-G-T.
Other names: short protein forms S1146Y.
Identifiers: ClinVar variation 1030946 (VCV001030946.1), dbSNP rs2080101583, ClinGen allele CA413665938.

ClinVar aggregate classification (germline): Likely pathogenic (1 of 4 stars; one submission).

Conditions:
X-linked intellectual disability, Cantagrel type (XLID98). Also called: INTELLECTUAL DEVELOPMENTAL DISORDER, X-LINKED 98. Identifiers: Orphanet 85277, MedGen C3806730, MONDO:0010483, OMIM 300912.

Submission:

Baylor Genetics
Classification: Likely pathogenic for X-linked intellectual disability, Cantagrel type. Last evaluated: 2019-03-15. Review status: criteria provided, single submitter. Criteria: ACMG Guidelines, 2015. Collection method: clinical testing. Allele origin: de novo. Affected: yes.
Comment: This variant was determined to be likely pathogenic according to ACMG Guidelines, 2015 [PMID:25741868].